The following is an entry in ClinVar:

NM_012398.3(PIP5K1C):c.1979del (p.Pro660fs)

Gene: PIP5K1C (phosphatidylinositol-4-phosphate 5-kinase type 1 gamma; minus strand). Cytogenetic location: 19p13.3.
Variant type: Deletion.
Coding change: c.1979del on transcript NM_012398.3 (MANE Select); coding-DNA position 1979, one base deleted (C; older notation c.1979delC).
Protein change: p.Pro660fs; shifts the reading frame from proline 660.
Molecular consequence: frameshift variant. On other transcripts: intron variant (1).
Genome position (GRCh38, 1-based): chr19:3,633,462, G deleted on the plus strand (C on the coding strand, the reverse complement: PIP5K1C is on the minus strand); the first of 7 consecutive G bases (chr19:3,633,462-3,633,468); deleting any one gives the same sequence. VCF-style (leftmost placement, unchanged base first): chr19-3633461-CG-C. GRCh37 (hg19) VCF-style: chr19-3633459-CG-C.
Other names: c.1921-293del (NM_001195733.2); short protein forms P660fs.
Identifiers: ClinVar variation 1723039 (VCV001723039.2), dbSNP rs748532409, ClinGen allele CA9081901.

ClinVar aggregate classification (germline): Uncertain significance (1 of 4 stars; one submission).

Submission:

GeneDx
Classification: Uncertain significance. Last evaluated: 2022-04-28. Review status: criteria provided, single submitter. Criteria: GeneDx Variant Classification Process June 2021. Collection method: clinical testing. Allele origin: germline. Affected: yes.
Comment: Frameshift variant predicted to result in protein truncation as the last 9 amino acids are replaced with 224 different amino acids, although loss-of-function variants have not been reported downstream of this position in the protein; Has not been previously published as pathogenic or benign to our knowledge